The following is an entry in ClinVar:

ClinVar aggregate classification (germline): Uncertain significance (1 of 4 stars; one submission).

Allele frequency attached by ClinVar (database versions not stated): gnomAD 0.00001.
gnomAD v4.1: 2 of 1,600,098 alleles (0.00012%); highest among the groups gnomAD compares: Non-Finnish European, 0.000085%; no homozygotes.

Submission:

GeneDx
Classification: Uncertain significance. Last evaluated: 2022-02-25. Review status: criteria provided, single submitter. Criteria: GeneDx Variant Classification Process June 2021. Collection method: clinical testing. Allele origin: germline. Affected: yes.
Comment: Not observed at significant frequency in large population cohorts (gnomAD); Nonsense variant predicted to result in protein truncation or nonsense mediated decay in a gene for which loss-of-function is not a known mechanism of disease; Has not been previously published as pathogenic or benign to our knowledge

NM_020822.3(KCNT1):c.1627C>T (p.Gln543Ter)

Gene: KCNT1 (potassium sodium-activated channel subfamily T member 1; plus strand). Cytogenetic location: 9q34.3.
Variant type: single nucleotide variant.
Coding change: c.1627C>T on transcript NM_020822.3 (MANE Select); coding-DNA position 1627, C replaced by T.
Protein change: p.Gln543Ter; replaces glutamine 543 with a stop codon.
Molecular consequence: nonsense.
Genome position (GRCh38, 1-based): chr9:135,770,305, C>T. VCF-style: chr9-135770305-C-T. GRCh37 (hg19) VCF-style: chr9-138662151-C-T.
Other names: c.1492C>T, p.Gln498Ter (NM_001272003.2); short protein forms Q498*, Q543*.
Identifiers: ClinVar variation 1343833 (VCV001343833.2), dbSNP rs1479237463, ClinGen allele CA375506106.
Genomic context (GRCh38, chr9:135,770,305, plus strand): 5'-AGGGGCAGCCATGGCCGAGGGTGACGCTCCCCTGGCCCCGCCCTGGCCCACAGGGAGGGA[C>T]AGGAGTCTCCGGAGCAGTGGCAGCGCATGTATGGGCGCTGCTCCGGCAACGAGGTGTACC-3'